The following is an entry in ClinVar:

NM_000783.4(CYP26A1):c.865-8A>G

Gene: CYP26A1 (cytochrome P450 family 26 subfamily A member 1; plus strand). Cytogenetic location: 10q23.33.
Variant type: single nucleotide variant.
Coding change: c.865-8A>G on transcript NM_000783.4 (MANE Select); 8 bases into the intron before coding-DNA position 865, A replaced by G.
Molecular consequence: intron variant.
Genome position (GRCh38, 1-based): chr10:93,075,818, A>G. VCF-style: chr10-93075818-A-G. GRCh37 (hg19) VCF-style: chr10-94835575-A-G.
Other names: c.658-8A>G (NM_057157.2).
Identifiers: ClinVar variation 2640682 (VCV002640682.24), dbSNP rs41290186, ClinGen allele CA5606253.

ClinVar aggregate classification (germline): Likely benign (1 of 4 stars; one submission).

Allele frequency attached by ClinVar (database versions not stated): 1000 Genomes Project 0.00100; 1000 Genomes Project 30x 0.00156; ExAC 0.00357; gnomAD 0.00388; TOPMed 0.00407; ESP Exome Variant Server 0.00477.
gnomAD v4.1: 9,562 of 1,609,298 alleles (0.59%); highest among the groups gnomAD compares: Non-Finnish European, 0.73%; 35 homozygotes.

Submission:

CeGaT Center for Human Genetics Tuebingen
Classification: Likely benign. Last evaluated: 2023-03-01. Review status: criteria provided, single submitter. Criteria: CeGaT Center For Human Genetics Tuebingen Variant Classification Criteria Version 2. Collection method: clinical testing. Allele origin: germline. Affected: yes. Observed: 1 variant allele.
Comment: CYP26A1: BP4, BS2